The following is an entry in ClinVar:

ClinVar aggregate classification (germline): Uncertain significance. Review status: criteria provided, multiple submitters, no conflicts (2 of 4 stars). 7 submissions from 7 submitters: Uncertain significance (7). Last evaluated 2026-07-17.

Conditions:
DIS3L2-related disorder. Also called: DIS3L2-related condition.
Perlman syndrome (PRLMNS). Identifiers: Orphanet 2849, MedGen C0796113, MONDO:0009965, OMIM 267000.

Allele frequency attached by ClinVar (database versions not stated): ExAC 0.00012; 1000 Genomes Project 30x 0.00016; gnomAD exomes 0.00016 and 0.00034; 1000 Genomes Project 0.00020; gnomAD 0.00028 and 0.00029; TOPMed 0.00034; ESP Exome Variant Server 0.00042.
gnomAD v4.1: 532 of 1,608,030 alleles (0.033%); highest among the groups gnomAD compares: Non-Finnish European, 0.043%; no homozygotes.

Submissions (7):

PreventionGenetics, part of Exact Sciences
Classification: Uncertain significance for DIS3L2-related condition. Last evaluated: 2026-07-17. Review status: criteria provided, single submitter. Criteria: ACMG Guidelines, 2015. Collection method: clinical testing. Allele origin: germline.
Comment: The DIS3L2 c.301G>T variant is predicted to result in the amino acid substitution p.Ala101Ser. To our knowledge, this variant has not been reported in the literature. This variant is reported in 0.033% of alleles in individuals of European (Non-Finnish) descent in gnomAD and is interpreted as uncertain in ClinVar (Variation ID: 241977). At this time, the clinical significance of this variant is uncertain due to the absence of conclusive functional and genetic evidence.

Labcorp Genetics (formerly Invitae), Labcorp
Classification: Uncertain significance for Perlman syndrome. Last evaluated: 2025-12-19. Review status: criteria provided, single submitter. Criteria: Invitae Variant Classification Sherloc (09022015). Collection method: clinical testing. Allele origin: germline.
Comment: This sequence change replaces alanine, which is neutral and non-polar, with serine, which is neutral and polar, at codon 101 of the DIS3L2 protein (p.Ala101Ser). This variant is present in population databases (rs199857926, gnomAD 0.03%). This variant has not been reported in the literature in individuals affected with DIS3L2-related conditions. ClinVar contains an entry for this variant (Variation ID: 241977). Invitae Evidence Modeling of protein sequence and biophysical properties (such as structural, functional, and spatial information, amino acid conservation, physicochemical variation, residue mobility, and thermodynamic stability) indicates that this missense variant is not expected to disrupt DIS3L2 protein function with a negative predictive value of 80%. In summary, the available evidence is currently insufficient to determine the role of this variant in disease. Therefore, it has been classified as a Variant of Uncertain Significance.

GeneDx
Classification: Uncertain significance. Last evaluated: 2024-12-19. Review status: criteria provided, single submitter. Criteria: GeneDx Variant Classification Process June 2021. Collection method: clinical testing. Allele origin: germline. Affected: yes.
Comment: In silico analysis indicates that this missense variant does not alter protein structure/function; Has not been previously published as pathogenic or benign germline variant to our knowledge; This variant is associated with the following publications: (PMID: 30344923)

CeGaT Center for Human Genetics Tuebingen
Classification: Uncertain significance. Last evaluated: 2024-12-01. Review status: criteria provided, single submitter. Criteria: CeGaT Center For Human Genetics Tuebingen Variant Classification Criteria Version 2. Collection method: clinical testing. Allele origin: germline. Affected: yes. Observed: 1 variant allele.
Comment: DIS3L2: PM2

St. Jude Molecular Pathology, St. Jude Children's Research Hospital
Classification: Uncertain significance for Perlman syndrome. Last evaluated: 2024-06-06. Review status: criteria provided, single submitter. Criteria: St. Jude Assertion Criteria 2020. Collection method: clinical testing. Allele origin: germline.
Comment: The DIS3L2 c.301G>T (p.Ala101Ser) missense change has a maximum subpopulation frequency of 0.03% in gnomAD v2.1.1. The in silico tool REVEL predicts a benign effect on protein function, but these predictions have not been confirmed by functional studies. This variant has not been reported in individuals with Perlman syndrome. In summary, the evidence currently available is insufficient to determine the clinical significance of this variant. It has therefore been classified as of uncertain significance.?

Baylor Genetics
Classification: Uncertain significance for Perlman syndrome. Last evaluated: 2021-01-06. Review status: criteria provided, single submitter. Criteria: ACMG Guidelines, 2015. Collection method: clinical testing. Allele origin: unknown. Affected: yes. Study: CSER-TexasKidsCanSeq.
Comment: This variant was determined to be of uncertain significance according to ACMG Guidelines, 2015 [PMID:25741868].

Fulgent Genetics
Classification: Uncertain significance for Perlman syndrome. Last evaluated: 2018-10-31. Review status: criteria provided, single submitter. Criteria: ACMG Guidelines, 2015. Collection method: clinical testing. Allele origin: unknown.

NM_152383.5(DIS3L2):c.301G>T (p.Ala101Ser)

Gene: DIS3L2 (DIS3 like 3'-5' exoribonuclease 2; plus strand). Cytogenetic location: 2q37.1.
Variant type: single nucleotide variant.
Coding change: c.301G>T on transcript NM_152383.5 (MANE Select); coding-DNA position 301, G replaced by T.
Protein change: p.Ala101Ser; replaces alanine 101 with serine.
Molecular consequence: missense variant. On other transcripts: non-coding transcript variant (2).
Genome position (GRCh38, 1-based): chr2:232,030,015, G>T. VCF-style: chr2-232030015-G-T. GRCh37 (hg19) VCF-style: chr2-232894725-G-T.
Other names: c.301G>T, p.Ala101Ser (NM_001257281.2, NM_001257282.2); short protein forms A101S.
Identifiers: ClinVar variation 241977 (VCV000241977.32), dbSNP rs199857926, ClinGen allele CA2163789.